The following is an entry in ClinVar:

NM_001079802.2(FKTN):c.755A>T (p.Tyr252Phe)

Gene: FKTN (fukutin; plus strand). Cytogenetic location: 9q31.2.
Variant type: single nucleotide variant.
Coding change: c.755A>T on transcript NM_001079802.2 (MANE Select); coding-DNA position 755, A replaced by T.
Protein change: p.Tyr252Phe; replaces tyrosine 252 with phenylalanine.
Molecular consequence: missense variant. On other transcripts: non-coding transcript variant (2).
Genome position (GRCh38, 1-based): chr9:105,607,926, A>T. VCF-style: chr9-105607926-A-T. GRCh37 (hg19) VCF-style: chr9-108370207-A-T.
Other names: c.755A>T, p.Tyr252Phe (NM_001198963.2, NM_001351496.2, NM_001351498.2 and 1 more transcripts); c.686A>T, p.Tyr229Phe (NM_001351497.2); c.359A>T, p.Tyr120Phe (NM_001351499.2, NM_001351500.2, NM_001351501.2 and 1 more transcripts); short protein forms Y120F, Y229F, Y252F.
Identifiers: ClinVar variation 1054641 (VCV001054641.9), dbSNP rs574626895, ClinGen allele CA5170476.

ClinVar aggregate classification (germline): Uncertain significance. Review status: criteria provided, multiple submitters, no conflicts (2 of 4 stars). 2 submissions from 2 submitters: Uncertain significance (2). Last evaluated 2024-09-25.

Conditions:
Cardiovascular phenotype. Identifiers: MedGen CN230736.
Walker-Warburg congenital muscular dystrophy. Also called: Muscular dystrophy-dystroglycanopathy, type A; Walker-Warburg syndrome. Identifiers: Orphanet 899, MedGen C0265221, MONDO:0000171.

Allele frequency attached by ClinVar (database versions not stated): gnomAD exomes below 0.00001; ExAC 0.00001; gnomAD 0.00001; TOPMed 0.00002; 1000 Genomes Project 30x 0.00016; 1000 Genomes Project 0.00020.
gnomAD v4.1: 4 of 1,611,890 alleles (0.00025%); highest among the groups gnomAD compares: African/African-American, 0.004%; no homozygotes.

Submissions (2):

Ambry Genetics
Classification: Uncertain significance for Cardiovascular phenotype. Last evaluated: 2024-09-25. Review status: criteria provided, single submitter. Criteria: Ambry Variant Classification Scheme 2023. Collection method: clinical testing. Allele origin: germline.
Comment: The p.Y252F variant (also known as c.755A>T), located in coding exon 5 of the FKTN gene, results from an A to T substitution at nucleotide position 755. The tyrosine at codon 252 is replaced by phenylalanine, an amino acid with highly similar properties. This amino acid position is well conserved in available vertebrate species; however, phenylalanine is the reference amino acid in other vertebrate species. In addition, this alteration is predicted to be tolerated by in silico analysis. Since supporting evidence is limited at this time, the clinical significance of this alteration remains unclear.

Labcorp Genetics (formerly Invitae), Labcorp
Classification: Uncertain significance for Walker-Warburg congenital muscular dystrophy. Last evaluated: 2022-04-08. Review status: criteria provided, single submitter. Criteria: Invitae Variant Classification Sherloc (09022015). Collection method: clinical testing. Allele origin: germline.
Comment: This sequence change replaces tyrosine, which is neutral and polar, with phenylalanine, which is neutral and non-polar, at codon 252 of the FKTN protein (p.Tyr252Phe). This variant is present in population databases (rs574626895, gnomAD 0.007%). This variant has not been reported in the literature in individuals affected with FKTN-related conditions. ClinVar contains an entry for this variant (Variation ID: 1054641). Algorithms developed to predict the effect of missense changes on protein structure and function output the following: SIFT: "Tolerated"; PolyPhen-2: "Benign"; Align-GVGD: "Class C0". The phenylalanine amino acid residue is found in multiple mammalian species, which suggests that this missense change does not adversely affect protein function. Algorithms developed to predict the effect of sequence changes on RNA splicing suggest that this variant may disrupt the consensus splice site. In summary, the available evidence is currently insufficient to determine the role of this variant in disease. Therefore, it has been classified as a Variant of Uncertain Significance.